The following is an entry in ClinVar:

ClinVar aggregate classification (germline): Likely benign. Review status: criteria provided, single submitter (1 of 4 stars). 2 submissions from 2 submitters: Likely benign (1). 1 of the submissions does not count toward it. Last evaluated 2025-07-15.

Conditions:
CCDC78-related disorder. Also called: CCDC78-related condition.
Congenital myopathy with internal nuclei and atypical cores. Also called: Myopathy, centronuclear, 4. Identifiers: Orphanet 319160, MedGen C4707232, MONDO:0013890, OMIM 614807.

Allele frequency attached by ClinVar (database versions not stated): gnomAD 0.00003 and 0.00005; TOPMed 0.00003; ExAC 0.00013; gnomAD exomes 0.00018; 1000 Genomes Project 30x 0.00078; 1000 Genomes Project 0.00080.
gnomAD v4.1: 57 of 1,600,630 alleles (0.0036%); highest among the groups gnomAD compares: East Asian, 0.097%; no homozygotes.

Submissions (2):

Labcorp Genetics (formerly Invitae), Labcorp
Classification: Likely benign for Congenital myopathy with internal nuclei and atypical cores. Last evaluated: 2025-07-15. Review status: criteria provided, single submitter. Criteria: Invitae Variant Classification Sherloc (09022015). Collection method: clinical testing. Allele origin: germline.

PreventionGenetics, part of Exact Sciences
Classification: Likely benign for CCDC78-related condition. Last evaluated: 2024-06-12. Review status: no assertion criteria provided. Collection method: clinical testing. Allele origin: germline. Not counted in ClinVar's aggregate classification.
Comment: This variant is classified as likely benign based on ACMG/AMP sequence variant interpretation guidelines (Richards et al. 2015 PMID: 25741868, with internal and published modifications).

NM_001378030.1(CCDC78):c.267+10C>T

Gene: CCDC78 (coiled-coil domain containing 78; minus strand). Cytogenetic location: 16p13.3.
Variant type: single nucleotide variant.
Coding change: c.267+10C>T on transcript NM_001378030.1 (MANE Select); 10 bases into the intron after coding-DNA position 267, C replaced by T.
Molecular consequence: intron variant.
Genome position (GRCh38, 1-based): chr16:725,784, G>A on the plus strand (C>T on the coding strand, the complement: CCDC78 is on the minus strand). VCF-style: chr16-725784-G-A. GRCh37 (hg19) VCF-style: chr16-775784-G-A.
Other names: c.-19+10C>T (NM_001378033.1); c.267+10C>T (NM_001378031.1, NM_001031737.3).
Identifiers: ClinVar variation 703889 (VCV000703889.13), dbSNP rs199497862, ClinGen allele CA7789686.
Genomic context (GRCh38, chr16:725,784, plus strand): 5'-GCAGGGCACGTGTCCTGGGCCTGCACCCCCCGTCCCCCATGCACTGAGGCTGGTTCACAC[G>A]GCTGCTCACCTCACTCTTCAGCTGGAAGATTTCAGCCTCATGCTGCTCATGTAGGTGGTG-3'